The following is an entry in ClinVar:

NM_133433.4(NIPBL):c.7465G>A (p.Glu2489Lys)

Gene: NIPBL (NIPBL cohesin loading factor; plus strand). Cytogenetic location: 5p13.2.
Variant type: single nucleotide variant.
Coding change: c.7465G>A on transcript NM_133433.4 (MANE Select); coding-DNA position 7465, G replaced by A.
Protein change: p.Glu2489Lys; replaces glutamic acid 2489 with lysine.
Molecular consequence: missense variant.
Genome position (GRCh38, 1-based): chr5:37,058,945, G>A. VCF-style: chr5-37058945-G-A. GRCh37 (hg19) VCF-style: chr5-37059047-G-A.
Other names: c.7465G>A, p.Glu2489Lys (NM_015384.5); short protein forms E2489K.
Identifiers: ClinVar variation 904294 (VCV000904294.7), dbSNP rs1561224805, ClinGen allele CA359515551.
Genomic context (GRCh38, chr5:37,058,945, plus strand): 5'-TTTCAGTCTATGGTAAAGGACAAAAGGAAAGAGAGAAAATCATCACCTAGTAAGGAAAAT[G>A]AGTCAAGCGACAGTGAAGAAGAAGTTTCCAGGCCTCGGAAGTCACGGAAACGTGTAGATT-3'
Protein context (NP_597677.2, residues 2479-2499): ERKSSPSKEN[Glu2489Lys]SSDSEEEVSR

ClinVar aggregate classification (germline): Uncertain significance. Review status: criteria provided, multiple submitters, no conflicts (2 of 4 stars). 2 submissions from 2 submitters: Uncertain significance (2). Last evaluated 2024-10-22.

Conditions:
Cornelia de Lange syndrome 1 (CDLS1). Also called: Brachmann de Lange syndrome; NIPBL-Related Cornelia de Lange Syndrome; TYPUS DEGENERATIVUS AMSTELODAMENSIS. Identifiers: Orphanet 199, MedGen C4551851, MONDO:0007387, OMIM 122470.

Allele frequency attached by ClinVar (database versions not stated): gnomAD exomes below 0.00001.
gnomAD v4.1: 1 of 1,614,174 alleles (0.000062%); highest among the groups gnomAD compares: East Asian, 0.0022%; no homozygotes.

Submissions (2):

Labcorp Genetics (formerly Invitae), Labcorp
Classification: Uncertain significance for Cornelia de Lange syndrome 1. Last evaluated: 2024-10-22. Review status: criteria provided, single submitter. Criteria: Invitae Variant Classification Sherloc (09022015). Collection method: clinical testing. Allele origin: germline.
Comment: This sequence change replaces glutamic acid, which is acidic and polar, with lysine, which is basic and polar, at codon 2489 of the NIPBL protein (p.Glu2489Lys). This variant is not present in population databases (gnomAD no frequency). This variant has not been reported in the literature in individuals affected with NIPBL-related conditions. ClinVar contains an entry for this variant (Variation ID: 904294). Invitae Evidence Modeling of protein sequence and biophysical properties (such as structural, functional, and spatial information, amino acid conservation, physicochemical variation, residue mobility, and thermodynamic stability) has been performed for this missense variant. However, the output from this modeling did not meet the statistical confidence thresholds required to predict the impact of this variant on NIPBL protein function. In summary, the available evidence is currently insufficient to determine the role of this variant in disease. Therefore, it has been classified as a Variant of Uncertain Significance.

Illumina Laboratory Services, Illumina
Classification: Uncertain significance for Cornelia de Lange syndrome 1. Last evaluated: 2018-01-12. Review status: criteria provided, single submitter. Criteria: ICSL Variant Classification Criteria 13 December 2019. Collection method: clinical testing. Allele origin: germline.